The following is an entry in ClinVar:

NM_004937.3(CTNS):c.544T>C (p.Trp182Arg)

Genes: CTNS (cystinosin, lysosomal cystine transporter; plus strand), CTNS-AS1 (CTNS antisense RNA 1; minus strand). Cytogenetic location: 17p13.2.
Variant type: single nucleotide variant.
Coding change: c.544T>C on transcript NM_004937.3 (MANE Select); coding-DNA position 544, T replaced by C.
Protein change: p.Trp182Arg; replaces tryptophan 182 with arginine.
Molecular consequence: missense variant.
Genome position (GRCh38, 1-based): chr17:3,656,569, T>C. VCF-style: chr17-3656569-T-C. GRCh37 (hg19) VCF-style: chr17-3559863-T-C.
Other names: c.544T>C, p.Trp182Arg (NM_001031681.3, NM_001374492.1); c.103T>C, p.Trp35Arg (NM_001374493.1, NM_001374494.1, NM_001374495.1 and 1 more transcripts); short protein forms W182R, W35R.
Identifiers: ClinVar variation 267308 (VCV000267308.13), dbSNP rs764168489, ClinGen allele CA8291771.

ClinVar aggregate classification (germline): Likely pathogenic. Review status: criteria provided, multiple submitters, no conflicts (2 of 4 stars). 3 submissions from 3 submitters: Likely pathogenic (2). 1 of the submissions does not count toward it. Last evaluated 2024-06-07.

Conditions:
Nephropathic cystinosis (CTNS). Also called: CYSTINOSIN, DEFECT OF; LYSOSOMAL CYSTINE TRANSPORT PROTEIN, DEFECT OF; Abderhalden Lignac Kaufmann disease; Abderhalden-Kaufmann-Lignac syndrome. Identifiers: Orphanet 213, Orphanet 411629, MedGen C2931187, MONDO:0100151, OMIM 219800.
Ocular cystinosis. Also called: Non-Nephropathic (Ocular) Cystinosis; Non-Nephropathic Cystinosis. Identifiers: Orphanet 213, Orphanet 411641, MedGen C2931013, MONDO:0009064, OMIM 219750.
Juvenile nephropathic cystinosis. Also called: Later-Onset (Juvenile) Cystinosis; CYSTINOSIS, LATE-ONSET JUVENILE OR ADOLESCENT NEPHROPATHIC TYPE; Intermediate Cystinosis. Identifiers: Orphanet 213, Orphanet 411634, MedGen C0268626, MONDO:0009066, OMIM 219900.
Cystinosis. Also called: Cystine diathesis; Cystine storage disease; Cystinoses. Identifiers: Orphanet 213, MedGen C4316899, MONDO:0016239.
Inborn genetic diseases. Identifiers: MedGen C0950123, MeSH D030342.

Allele frequency attached by ClinVar (database versions not stated): gnomAD exomes below 0.00001; ExAC 0.00001.
gnomAD v4.1: 1 of 1,611,218 alleles (0.000062%); highest among the groups gnomAD compares: Admixed American, 0.0017%; no homozygotes.

Submissions (3):

Fulgent Genetics
Classification: Likely pathogenic for Ocular cystinosis; Nephropathic cystinosis; Juvenile nephropathic cystinosis. Last evaluated: 2024-06-07. Review status: criteria provided, single submitter. Criteria: ACMG Guidelines, 2015. Collection method: clinical testing. Allele origin: germline.

Labcorp Genetics (formerly Invitae), Labcorp
Classification: Likely pathogenic for Inborn genetic diseases; Ocular cystinosis; Juvenile nephropathic cystinosis. Last evaluated: 2023-10-05. Review status: criteria provided, single submitter. Criteria: Invitae Variant Classification Sherloc (09022015). Collection method: clinical testing. Allele origin: germline.
Comment: This sequence change replaces tryptophan, which is neutral and slightly polar, with arginine, which is basic and polar, at codon 182 of the CTNS protein (p.Trp182Arg). This variant is present in population databases (rs764168489, gnomAD 0.003%). This missense change has been observed in individual(s) with cystinosis (PMID: 9792862). ClinVar contains an entry for this variant (Variation ID: 267308). Advanced modeling of protein sequence and biophysical properties (such as structural, functional, and spatial information, amino acid conservation, physicochemical variation, residue mobility, and thermodynamic stability) performed at Invitae indicates that this missense variant is expected to disrupt CTNS protein function. Experimental studies have shown that this missense change affects CTNS function (PMID: 15128704). In summary, the currently available evidence indicates that the variant is pathogenic, but additional data are needed to prove that conclusively. Therefore, this variant has been classified as Likely Pathogenic.

GeneReviews
No classification provided. Condition: Cystinosis. Review status: no classification provided. Collection method: literature only. Allele origin: germline. Affected: yes. Not counted in ClinVar's aggregate classification.

Literature cited by the submitters: PubMed 9792862 (cited by Labcorp Genetics (formerly Invitae), Labcorp); PubMed 15128704 (cited by Labcorp Genetics (formerly Invitae), Labcorp); NCBI Bookshelf NBK1400 (cited by GeneReviews).